The following is an entry in ClinVar:

NM_172351.3(CD46):c.535G>C (p.Glu179Gln)

Gene: CD46 (CD46 molecule; plus strand). Cytogenetic location: 1q32.2.
Variant type: single nucleotide variant.
Coding change: c.535G>C on transcript NM_172351.3 (MANE Select); coding-DNA position 535, G replaced by C.
Protein change: p.Glu179Gln; replaces glutamic acid 179 with glutamine.
Molecular consequence: missense variant.
Genome position (GRCh38, 1-based): chr1:207,761,308, G>C. VCF-style: chr1-207761308-G-C. GRCh37 (hg19) VCF-style: chr1-207934653-G-C.
Other names: c.535G>C, p.Glu179Gln (NM_002389.4, NM_153826.4, NM_172350.3 and 8 more transcripts); short protein forms E179Q.
Identifiers: ClinVar variation 1162904 (VCV001162904.12), dbSNP rs779174212, ClinGen allele CA1371669.

ClinVar aggregate classification (germline): Conflicting classifications of pathogenicity. Review status: criteria provided, conflicting classifications (1 of 4 stars). 4 submissions from 4 submitters: Uncertain significance (3); Likely benign (1). Last evaluated 2026-09-17.

Conditions:
Atypical hemolytic-uremic syndrome. Identifiers: Orphanet 2134, MedGen C2931788, MONDO:0016244.
Atypical hemolytic-uremic syndrome with MCP/CD46 anomaly. Also called: HEMOLYTIC UREMIC SYNDROME, ATYPICAL, SUSCEPTIBILITY TO, 2; AHUS, SUSCEPTIBILITY TO, 2. Identifiers: Orphanet 2134, MedGen C2752040, MONDO:0013040, OMIM 612922.

Allele frequency attached by ClinVar (database versions not stated): gnomAD 0.00002 and 0.00003; gnomAD exomes 0.00005 and 0.00011; TOPMed 0.00005; ExAC 0.00014.
gnomAD v4.1: 81 of 1,613,234 alleles (0.005%); highest among the groups gnomAD compares: South Asian, 0.045%; 1 homozygote.

Submissions (4):

Genomenon, Inc
Classification: Uncertain significance for Atypical hemolytic-uremic syndrome. Last evaluated: 2026-09-17. Review status: criteria provided, single submitter. Criteria: Genomenon Sequence Variant Interpretation Standards - Updated. Collection method: curation. Allele origin: germline. Affected: yes.
Comment: CD46 p.Glu179Gln (c.535G>C) is a missense variant that changes the amino acid at codon 179 from glutamic acid to glutamine. This variant has been observed in at least one proband affected with atypical hemolytic-uremic syndrome (PMID:39534187;28840254;16762990;28056875;29500241). Functional studies have been reported (PMID:17089378;16762990). It is absent or not present at a significant frequency in gnomAD. In silico models predict that this variant is not damaging. In conclusion, we classify CD46 p.Glu179Gln (c.535G>C) as a variant of uncertain significance.

Labcorp Genetics (formerly Invitae), Labcorp
Classification: Likely benign. Last evaluated: 2024-11-25. Review status: criteria provided, single submitter. Criteria: Invitae Variant Classification Sherloc (09022015). Collection method: clinical testing. Allele origin: germline.

Fulgent Genetics
Classification: Uncertain significance for Atypical hemolytic-uremic syndrome with MCP/CD46 anomaly. Last evaluated: 2022-05-25. Review status: criteria provided, single submitter. Criteria: ACMG Guidelines, 2015. Collection method: clinical testing. Allele origin: unknown.

Mayo Clinic Laboratories, Mayo Clinic
Classification: Uncertain significance. Last evaluated: 2019-10-06. Review status: criteria provided, single submitter. Criteria: ACMG Guidelines, 2015. Collection method: clinical testing. Allele origin: germline. Observed: 1 variant allele.

Literature cited by the submitters: PubMed 39534187 (cited by Genomenon, Inc); PubMed 28840254 (cited by Genomenon, Inc); PubMed 16762990 (cited by Genomenon, Inc); PubMed 28056875 (cited by Genomenon, Inc); PubMed 29500241 (cited by Genomenon, Inc); PubMed 17089378 (cited by Genomenon, Inc).